The following is an entry in ClinVar:

ClinVar aggregate classification (germline): Uncertain significance (1 of 4 stars; one submission).

Conditions:
Cardiomyopathy (CMYO). Also called: Cardiomyopathies. Identifiers: Orphanet 167848, MedGen C0878544, MONDO:0004994, HP:0001638. Inheritance: Various modes of inheritance.

Submission:

Color Diagnostics, LLC DBA Color Health
Classification: Uncertain significance for Cardiomyopathy. Last evaluated: 2024-03-07. Review status: criteria provided, single submitter. Criteria: ACMG Guidelines, 2015. Collection method: clinical testing. Allele origin: germline.
Comment: This missense variant replaces leucine with serine at codon 3552 of the RYR2 protein. Computational prediction is inconclusive regarding the impact of this variant on protein structure and function (internally defined REVEL score threshold 0.5 < inconclusive < 0.7, PMID: 27666373). To our knowledge, functional studies have not been reported for this variant. This variant has not been reported in individuals affected with cardiovascular disorders in the literature. This variant has not been identified in the general population by the Genome Aggregation Database (gnomAD). The available evidence is insufficient to determine the role of this variant in disease conclusively. Therefore, this variant is classified as a Variant of Uncertain Significance.

NM_001035.3(RYR2):c.10655T>C (p.Leu3552Ser)

Gene: RYR2 (ryanodine receptor 2; plus strand). Cytogenetic location: 1q43.
Variant type: single nucleotide variant.
Coding change: c.10655T>C on transcript NM_001035.3 (MANE Select); coding-DNA position 10655, T replaced by C.
Protein change: p.Leu3552Ser; replaces leucine 3552 with serine.
Molecular consequence: missense variant.
Genome position (GRCh38, 1-based): chr1:237,723,228, T>C. VCF-style: chr1-237723228-T-C. GRCh37 (hg19) VCF-style: chr1-237886528-T-C.
Other names: short protein forms L3552S.
Identifiers: ClinVar variation 2774377 (VCV002774377.2), dbSNP rs2547479495, ClinGen allele CA345416184.